The following is an entry in ClinVar:

ClinVar aggregate classification (germline): Uncertain significance (0 of 4 stars; one submission).

Conditions:
ABCC9-related disorder. Also called: ABCC9-related condition; ABCC9-related disorders.

gnomAD v4.1: 1 of 1,613,202 alleles (0.000062%); highest among the groups gnomAD compares: Non-Finnish European, 0.000085%; no homozygotes.

Submission:

PreventionGenetics, part of Exact Sciences
Classification: Uncertain significance for ABCC9-related condition. Last evaluated: 2024-08-26. Review status: no assertion criteria provided. Collection method: clinical testing. Allele origin: germline.
Comment: The ABCC9 c.1004C>G variant is predicted to result in the amino acid substitution p.Thr335Arg. To our knowledge, this variant has not been reported in the literature or in a large population database, indicating this variant is rare. At this time, the clinical significance of this variant is uncertain due to the absence of conclusive functional and genetic evidence.

NM_020297.4(ABCC9):c.1004C>G (p.Thr335Arg)

Gene: ABCC9 (ATP binding cassette subfamily C member 9; minus strand). Cytogenetic location: 12p12.1.
Variant type: single nucleotide variant.
Coding change: c.1004C>G on transcript NM_020297.4 (MANE Select); coding-DNA position 1004, C replaced by G.
Protein change: p.Thr335Arg; replaces threonine 335 with arginine.
Molecular consequence: missense variant.
Genome position (GRCh38, 1-based): chr12:21,912,879, G>C on the plus strand (C>G on the coding strand, the complement: ABCC9 is on the minus strand). VCF-style: chr12-21912879-G-C. GRCh37 (hg19) VCF-style: chr12-22065813-G-C.
Other names: c.1004C>G, p.Thr335Arg (NM_001377273.1, NM_005691.4); c.140C>G, p.Thr47Arg (NM_001377274.1); short protein forms T335R, T47R.
Identifiers: ClinVar variation 3346041 (VCV003346041.1).